The following is an entry in ClinVar:

ClinVar aggregate classification (germline): Uncertain significance. Review status: criteria provided, multiple submitters, no conflicts (2 of 4 stars). 3 submissions from 3 submitters: Uncertain significance (3). Last evaluated 2025-01-11.

Conditions:
Cardiovascular phenotype. Identifiers: MedGen CN230736.
Long QT syndrome (LQTS). Identifiers: MedGen C0023976, MeSH D008133, MONDO:0002442. Disease mechanism: loss of function. Inheritance: Various modes of inheritance.

Allele frequency attached by ClinVar (database versions not stated): TOPMed below 0.00001.
gnomAD v4.1: 3 of 1,297,374 alleles (0.00023%); highest among the groups gnomAD compares: Non-Finnish European, 0.00029%; no homozygotes.

Submissions (3):

Labcorp Genetics (formerly Invitae), Labcorp
Classification: Uncertain significance for Long QT syndrome. Last evaluated: 2025-01-11. Review status: criteria provided, single submitter. Criteria: Invitae Variant Classification Sherloc (09022015). Collection method: clinical testing. Allele origin: germline.
Comment: This sequence change replaces alanine, which is neutral and non-polar, with proline, which is neutral and non-polar, at codon 290 of the KCNH2 protein (p.Ala290Pro). This variant is not present in population databases (gnomAD no frequency). This variant has not been reported in the literature in individuals affected with KCNH2-related conditions. ClinVar contains an entry for this variant (Variation ID: 200306). An algorithm developed to predict the effect of missense changes on protein structure and function (PolyPhen-2) suggests that this variant is likely to be disruptive. In summary, the available evidence is currently insufficient to determine the role of this variant in disease. Therefore, it has been classified as a Variant of Uncertain Significance.

Ambry Genetics
Classification: Uncertain significance for Cardiovascular phenotype. Last evaluated: 2022-11-08. Review status: criteria provided, single submitter. Criteria: Ambry Variant Classification Scheme 2023. Collection method: clinical testing. Allele origin: germline.
Comment: The p.A290P variant (also known as c.868G>C), located in coding exon 4 of the KCNH2 gene, results from a G to C substitution at nucleotide position 868. The alanine at codon 290 is replaced by proline, an amino acid with highly similar properties. This amino acid position is well conserved in available vertebrate species. In addition, this alteration is predicted to be deleterious by in silico analysis. Since supporting evidence is limited at this time, the clinical significance of this alteration remains unclear.

GeneDx
Classification: Uncertain significance. Last evaluated: 2016-10-31. Review status: criteria provided, single submitter. Criteria: GeneDx Variant Classification (06012015). Collection method: clinical testing. Allele origin: germline. Affected: yes.
Comment: The Ala290Pro variant in the KCNH2 gene has not been reported as a disease-causing mutation or as a benign polymorphism to our knowledge. Ala290Pro results in a semi-conservative amino acid substitution of a nonpolar Alanine with a sterically-constrained Proline at a position that is only conserved in mammals. However, mutations in nearby residues (Glu289Lys, Met291Thr, Pro297Ser) have been reported in association with LQTS, further supporting the functional importance of this region of the protein. Furthermore, the NHLBI Exome Sequencing Project reports Ala290Pro was not observed in approximately 2,000 individuals of European and African American ancestry, indicating it is not a common benign variant in,these populations.In summary, while Ala290Pro is a good candidate for a disease-causing mutation, with the clinical and molecular information available at this time we cannot unequivocally determine the clinical significance of this variant. The variant is found in LQT panel(s).

NM_000238.4(KCNH2):c.868G>C (p.Ala290Pro)

Gene: KCNH2 (potassium voltage-gated channel subfamily H member 2; minus strand). Cytogenetic location: 7q36.1.
Variant type: single nucleotide variant.
Coding change: c.868G>C on transcript NM_000238.4 (MANE Select); coding-DNA position 868, G replaced by C.
Protein change: p.Ala290Pro; replaces alanine 290 with proline.
Molecular consequence: missense variant.
Genome position (GRCh38, 1-based): chr7:150,958,107, C>G on the plus strand (G>C on the coding strand, the complement: KCNH2 is on the minus strand). VCF-style: chr7-150958107-C-G. GRCh37 (hg19) VCF-style: chr7-150655195-C-G.
Other names: p.A290P:GCC>CCC; c.580G>C, p.Ala194Pro (NM_001406753.1, NM_001406756.1); c.691G>C, p.Ala231Pro (NM_001406755.1); c.568G>C, p.Ala190Pro (NM_001406757.1); c.868G>C, p.Ala290Pro (NM_172056.3); short protein forms A290P, A194P, A231P, A190P.
Identifiers: ClinVar variation 200306 (VCV000200306.9), dbSNP rs532891158, ClinGen allele CA008914.